The following is an entry in ClinVar:

ClinVar aggregate classification (germline): Benign/Likely benign. Review status: criteria provided, multiple submitters, no conflicts (2 of 4 stars). 3 submissions from 3 submitters: Benign (1); Likely benign (1). 1 of the submissions does not count toward it. Last evaluated 2026-02-01.

Conditions:
CNGB1-related disorder. Also called: CNGB1-related condition.

Allele frequency attached by ClinVar (database versions not stated): TOPMed 0.00014; ESP Exome Variant Server 0.00016; gnomAD 0.00016 and 0.00027; gnomAD exomes 0.00027 and 0.00056; ExAC 0.00055; 1000 Genomes Project 30x 0.00094; 1000 Genomes Project 0.00100.
gnomAD v4.1: 438 of 1,612,600 alleles (0.027%); highest among the groups gnomAD compares: South Asian, 0.34%; 3 homozygotes.

Submissions (3):

CeGaT Center for Human Genetics Tuebingen
Classification: Likely benign. Last evaluated: 2026-02-01. Review status: criteria provided, single submitter. Criteria: CeGaT Center For Human Genetics Tuebingen Variant Classification Criteria Version 2. Collection method: clinical testing. Allele origin: germline. Affected: yes. Observed: 2 variant alleles.
Comment: CNGB1: BP4, BS2

Labcorp Genetics (formerly Invitae), Labcorp
Classification: Benign. Last evaluated: 2026-01-28. Review status: criteria provided, single submitter. Criteria: Invitae Variant Classification Sherloc (09022015). Collection method: clinical testing. Allele origin: germline.

PreventionGenetics, part of Exact Sciences
Classification: Likely benign for CNGB1-related condition. Last evaluated: 2019-04-22. Review status: no assertion criteria provided. Collection method: clinical testing. Allele origin: germline. Not counted in ClinVar's aggregate classification.
Comment: This variant is classified as likely benign based on ACMG/AMP sequence variant interpretation guidelines (Richards et al. 2015 PMID: 25741868, with internal and published modifications).

NM_001297.5(CNGB1):c.458+7C>T

Gene: CNGB1 (cyclic nucleotide gated channel subunit beta 1; minus strand). Cytogenetic location: 16q21.
Variant type: single nucleotide variant.
Coding change: c.458+7C>T on transcript NM_001297.5 (MANE Select); 7 bases into the intron after coding-DNA position 458, C replaced by T.
Molecular consequence: intron variant.
Genome position (GRCh38, 1-based): chr16:57,962,558, G>A on the plus strand (C>T on the coding strand, the complement: CNGB1 is on the minus strand). VCF-style: chr16-57962558-G-A. GRCh37 (hg19) VCF-style: chr16-57996462-G-A.
Other names: c.458+7C>T (NM_001297.4, NM_001286130.2, NM_001135639.2).
Identifiers: ClinVar variation 1598912 (VCV001598912.23), dbSNP rs368819628, ClinGen allele CA8083819.
Genomic context (GRCh38, chr16:57,962,558, plus strand): 5'-AAACCAAGGACCTGTTCCTCCCACCCACACATACAGACAACAGTGACACTCAGGGATAGG[G>A]ACTCACCTAGTGTCTTGGGCCTCAAGGGCCTCATTGGGTTCATCTGTGCACCCTGCAGGG-3'